The following is an entry in ClinVar:

ClinVar aggregate classification (germline): Uncertain significance (1 of 4 stars; one submission).

Submission:

Ambry Genetics
Classification: Uncertain significance. Last evaluated: 2024-10-05. Review status: criteria provided, single submitter. Criteria: Ambry Variant Classification Scheme 2023. Collection method: clinical testing. Allele origin: germline.
Comment: The p.S1225I variant (also known as c.3674G>T), located in coding exon 16 of the POLQ gene, results from a G to T substitution at nucleotide position 3674. The serine at codon 1225 is replaced by isoleucine, an amino acid with dissimilar properties. This amino acid position is conserved. In addition, this alteration is predicted to be tolerated by in silico analysis. Based on the available evidence, the clinical significance of this variant remains unclear.

NM_199420.4(POLQ):c.3674G>T (p.Ser1225Ile)

Gene: POLQ (DNA polymerase theta; minus strand). Cytogenetic location: 3q13.33.
Variant type: single nucleotide variant.
Coding change: c.3674G>T on transcript NM_199420.4 (MANE Select); coding-DNA position 3674, G replaced by T.
Protein change: p.Ser1225Ile; replaces serine 1225 with isoleucine.
Molecular consequence: missense variant.
Genome position (GRCh38, 1-based): chr3:121,489,257, C>A on the plus strand (G>T on the coding strand, the complement: POLQ is on the minus strand). VCF-style: chr3-121489257-C-A. GRCh37 (hg19) VCF-style: chr3-121208104-C-A.
Other names: short protein forms S1225I.
Identifiers: ClinVar variation 3422582 (VCV003422582.1).
Genomic context (GRCh38, chr3:121,489,257, plus strand): 5'-TCTGTATTAAGCTTTATCCTTTCACAATTGATAGTAACATTTGAGTCTCTATTTATGTAA[C>A]TACTGACTGCTTCACAGGGCATTTGTCTCTCTATTATATTTTTCTGTTTGGTAATAGTGC-3'
Protein context (NP_955452.3, residues 1215-1235): ERQMPCEAVS[Ser1225Ile]YINRDSNVTI